The following is an entry in ClinVar:

ClinVar aggregate classification (germline): Likely benign. Review status: no assertion criteria provided (0 of 4 stars). 3 submissions from 3 submitters: Likely benign (3). Last evaluated 2022-06-20.

Conditions:
GPC4-related disorder. Also called: GPC4-related condition.

Allele frequency attached by ClinVar (database versions not stated): gnomAD exomes 0.00030 and 0.00033; gnomAD 0.00037 and 0.00039; TOPMed 0.00038; ExAC 0.00040; ESP Exome Variant Server 0.00047.
gnomAD v4.1: 408 of 1,210,232 alleles (0.034%); highest among the groups gnomAD compares: Non-Finnish European, 0.042%; no homozygotes.

Submissions (3):

PreventionGenetics, part of Exact Sciences
Classification: Likely benign for GPC4-related condition. Last evaluated: 2022-06-20. Review status: no assertion criteria provided. Collection method: clinical testing. Allele origin: germline.
Comment: This variant is classified as likely benign based on ACMG/AMP sequence variant interpretation guidelines (Richards et al. 2015 PMID: 25741868, with internal and published modifications).

Clinical Genetics DNA and cytogenetics Diagnostics Lab, Erasmus MC, Erasmus Medical Center
Classification: Likely benign. Review status: no assertion criteria provided. Collection method: clinical testing. Allele origin: germline. Affected: yes. Study: VKGL Data-share Consensus.

Diagnostic Laboratory, Department of Genetics, University Medical Center Groningen
Classification: Likely benign. Review status: no assertion criteria provided. Collection method: clinical testing. Allele origin: germline. Affected: yes. Study: VKGL Data-share Consensus.

NM_001448.3(GPC4):c.38T>A (p.Leu13Gln)

Gene: GPC4 (glypican 4; minus strand). Cytogenetic location: Xq26.2.
Variant type: single nucleotide variant.
Coding change: c.38T>A on transcript NM_001448.3 (MANE Select); coding-DNA position 38, T replaced by A.
Protein change: p.Leu13Gln; replaces leucine 13 with glutamine.
Molecular consequence: missense variant.
Genome position (GRCh38, 1-based): chrX:133,414,928, A>T on the plus strand (T>A on the coding strand, the complement: GPC4 is on the minus strand). VCF-style: chrX-133414928-A-T. GRCh37 (hg19) VCF-style: chrX-132548956-A-T.
Other names: c.38T>A (NM_001448.2); short protein forms L13Q.
Identifiers: ClinVar variation 1299875 (VCV001299875.3), dbSNP rs138346302, ClinGen allele CA10520600.